The following is an entry in ClinVar:

ClinVar aggregate classification (germline): Uncertain significance. Review status: criteria provided, multiple submitters, no conflicts (2 of 4 stars). 2 submissions from 2 submitters: Uncertain significance (2). Last evaluated 2025-05-18.

Conditions:
Hereditary cancer-predisposing syndrome. Also called: Tumor predisposition; Hereditary Cancer Syndrome; Hereditary neoplastic syndrome; Neoplastic Syndromes, Hereditary. Identifiers: Orphanet 140162, MedGen C0027672, MeSH D009386, MONDO:0015356.
Rhabdoid tumor predisposition syndrome 2 (RTPS2). Identifiers: Orphanet 231108, Orphanet 69077, MedGen C2750074, MONDO:0013224, OMIM 613325.

Allele frequency attached by ClinVar (database versions not stated): gnomAD exomes below 0.00001 and 0.00001; ExAC 0.00001.
gnomAD v4.1: 7 of 1,610,290 alleles (0.00043%); highest among the groups gnomAD compares: East Asian, 0.0022%; no homozygotes.

Submissions (2):

Ambry Genetics
Classification: Uncertain significance for Hereditary cancer-predisposing syndrome. Last evaluated: 2025-05-18. Review status: criteria provided, single submitter. Criteria: Ambry Variant Classification Scheme 2023. Collection method: clinical testing. Allele origin: germline.
Comment: The p.A871T variant (also known as c.2611G>A), located in coding exon 17 of the SMARCA4 gene, results from a G to A substitution at nucleotide position 2611. The alanine at codon 871 is replaced by threonine, an amino acid with similar properties. This amino acid position is conserved. In addition, the in silico prediction for this alteration is inconclusive. Based on the available evidence, the clinical significance of this variant remains unclear.

Labcorp Genetics (formerly Invitae), Labcorp
Classification: Uncertain significance for Rhabdoid tumor predisposition syndrome 2. Last evaluated: 2024-03-07. Review status: criteria provided, single submitter. Criteria: Invitae Variant Classification Sherloc (09022015). Collection method: clinical testing. Allele origin: germline.
Comment: This sequence change replaces alanine, which is neutral and non-polar, with threonine, which is neutral and polar, at codon 871 of the SMARCA4 protein (p.Ala871Thr). The frequency data for this variant in the population databases is considered unreliable, as metrics indicate poor data quality at this position in the gnomAD database. This variant has not been reported in the literature in individuals affected with SMARCA4-related conditions. ClinVar contains an entry for this variant (Variation ID: 537824). Advanced modeling of protein sequence and biophysical properties (such as structural, functional, and spatial information, amino acid conservation, physicochemical variation, residue mobility, and thermodynamic stability) performed at Invitae indicates that this missense variant is expected to disrupt SMARCA4 protein function with a positive predictive value of 95%. In summary, the available evidence is currently insufficient to determine the role of this variant in disease. Therefore, it has been classified as a Variant of Uncertain Significance.

NM_003072.5(SMARCA4):c.2611G>A (p.Ala871Thr)

Gene: SMARCA4 (SWI/SNF related BAF chromatin remodeling complex subunit ATPase 4; plus strand). Cytogenetic location: 19p13.2.
Variant type: single nucleotide variant.
Coding change: c.2611G>A on transcript NM_003072.5 (MANE Select); coding-DNA position 2611, G replaced by A.
Protein change: p.Ala871Thr; replaces alanine 871 with threonine.
Molecular consequence: missense variant. On other transcripts: non-coding transcript variant (1).
Genome position (GRCh38, 1-based): chr19:11,019,696, G>A. VCF-style: chr19-11019696-G-A. GRCh37 (hg19) VCF-style: chr19-11130372-G-A.
Other names: c.2611G>A, p.Ala871Thr (NM_001128848.2, NM_001128849.3, NM_001374457.1 and 5 more transcripts); short protein forms A871T.
Identifiers: ClinVar variation 537824 (VCV000537824.11), dbSNP rs765073845, ClinGen allele CA9204165.
Genomic context (GRCh38, chr19:11,019,696, plus strand): 5'-GGGAAGTTCAACGTCTTGCTGACGACGTACGAGTACATCATCAAAGACAAGCACATCCTC[G>A]CCAAGGTAACGTGTCCCTGTGGGAAATGCCAGGCCATGGGCCGAGTGCTCACACGTGGGT-3'
Protein context (NP_003063.2, residues 861-881): EYIIKDKHIL[Ala871Thr]KIRWKYMIVD